The following is an entry in ClinVar:

ClinVar aggregate classification (germline): Uncertain significance (1 of 4 stars; one submission).

gnomAD v4.1: 1 of 1,614,048 alleles (0.000062%); no homozygotes.

Submission:

CeGaT Center for Human Genetics Tuebingen
Classification: Uncertain significance. Last evaluated: 2024-11-01. Review status: criteria provided, single submitter. Criteria: CeGaT Center For Human Genetics Tuebingen Variant Classification Criteria Version 2. Collection method: clinical testing. Allele origin: germline. Affected: yes. Observed: 1 variant allele.
Comment: SLC12A3: PM2

NM_001126108.2(SLC12A3):c.2739C>A (p.Asp913Glu)

Gene: SLC12A3 (solute carrier family 12 member 3; plus strand). Cytogenetic location: 16q13.
Variant type: single nucleotide variant.
Coding change: c.2739C>A on transcript NM_001126108.2 (MANE Select); coding-DNA position 2739, C replaced by A.
Protein change: p.Asp913Glu; replaces aspartic acid 913 with glutamic acid.
Molecular consequence: missense variant.
Genome position (GRCh38, 1-based): chr16:56,902,391, C>A. VCF-style: chr16-56902391-C-A. GRCh37 (hg19) VCF-style: chr16-56936303-C-A.
Other names: c.2766C>A, p.Asp922Glu (NM_000339.3); c.2763C>A, p.Asp921Glu (NM_001126107.2); c.2736C>A, p.Asp912Glu (NM_001410896.1); short protein forms D912E, D913E, D921E, D922E.
Identifiers: ClinVar variation 3388431 (VCV003388431.14).